The following is an entry in ClinVar:

NM_015205.3(ATP11A):c.*55T>G

Gene: ATP11A (ATPase phospholipid transporting 11A; plus strand). Cytogenetic location: 13q34.
Variant type: single nucleotide variant.
Coding change: c.*55T>G on transcript NM_015205.3 (MANE Select); 55 bases downstream of the stop codon, T replaced by G.
Molecular consequence: 3 prime UTR variant. On other transcripts: missense variant (3).
Genome position (GRCh38, 1-based): chr13:112,881,921, T>G. VCF-style: chr13-112881921-T-G. GRCh37 (hg19) VCF-style: chr13-113536235-T-G.
Other names: c.3436T>G, p.Ser1146Ala (NM_001405661.1); c.3373T>G, p.Ser1125Ala (NM_001405662.1); c.*57T>G (NM_001405663.1); c.3433T>G, p.Ser1145Ala (NM_032189.4); short protein forms S1125A, S1145A, S1146A.
Identifiers: ClinVar variation 2634395 (VCV002634395.1), dbSNP rs1203686820, ClinGen allele CA388783093.
Genomic context (GRCh38, chr13:112,881,921, plus strand): 5'-CTTGCCTCTCTGCAGAGCCCAGGCTACCAGAGCACCTGTCCCTCGGCCGCCTGGTACAGC[T>G]CCCACTCTCAGCAGGTGACACTCGCGGCCTGGAAGGAGAAGGTGTCCACGGAGCCCCCAC-3'

ClinVar aggregate classification (germline): Uncertain significance (1 of 4 stars; one submission).

Conditions:
ATP11A-related disorder. Also called: ATP11A-related condition.

Allele frequency attached by ClinVar (database versions not stated): gnomAD exomes below 0.00001; TOPMed below 0.00001; gnomAD 0.00001.
gnomAD v4.1: 4 of 1,367,400 alleles (0.00029%); highest among the groups gnomAD compares: Non-Finnish European, 0.00029%; no homozygotes.

Submission:

PreventionGenetics, part of Exact Sciences
Classification: Uncertain significance for ATP11A-related condition. Last evaluated: 2023-05-24. Review status: criteria provided, single submitter. Criteria: ACMG Guidelines, 2015. Collection method: clinical testing. Allele origin: germline.
Comment: The ATP11A c.3433T>G variant is predicted to result in the amino acid substitution p.Ser1145Ala. To our knowledge, this variant has not been reported in the literature. This variant is reported in 0.00088% of alleles in individuals of European (Non-Finnish) descent in gnomAD. At this time, the clinical significance of this variant is uncertain due to the absence of conclusive functional and genetic evidence.